The following is an entry in ClinVar:

ClinVar aggregate classification (germline): Uncertain significance. Review status: criteria provided, multiple submitters, no conflicts (2 of 4 stars). 3 submissions from 3 submitters: Uncertain significance (3). Last evaluated 2023-11-19.

Conditions:
Hereditary cancer-predisposing syndrome. Also called: Tumor predisposition; Hereditary Cancer Syndrome; Hereditary neoplastic syndrome; Neoplastic Syndromes, Hereditary. Identifiers: Orphanet 140162, MedGen C0027672, MeSH D009386, MONDO:0015356.
Ataxia-telangiectasia syndrome (AT). Also called: LOUIS-BAR SYNDROME; Cerebello-oculocutaneous telangiectasia; Immunodeficiency with ataxia telangiectasia; ATAXIA-TELANGIECTASIA, COMPLEMENTATION GROUP A; ATAXIA-TELANGIECTASIA, FRESNO VARIANT; Ataxia-telangiectasia. Identifiers: Orphanet 100, MedGen C0004135, MONDO:0008840, OMIM 208900.

Submissions (3):

Ambry Genetics
Classification: Uncertain significance for Hereditary cancer-predisposing syndrome. Last evaluated: 2023-11-19. Review status: criteria provided, single submitter. Criteria: Ambry Variant Classification Scheme 2023. Collection method: clinical testing. Allele origin: germline.
Comment: The p.N1243I variant (also known as c.3728A>T), located in coding exon 24 of the ATM gene, results from an A to T substitution at nucleotide position 3728. The asparagine at codon 1243 is replaced by isoleucine, an amino acid with dissimilar properties. This amino acid position is conserved. In addition, this alteration is predicted to be tolerated by in silico analysis. Since supporting evidence is limited at this time, the clinical significance of this alteration remains unclear.

Labcorp Genetics (formerly Invitae), Labcorp
Classification: Uncertain significance for Ataxia-telangiectasia syndrome. Last evaluated: 2023-02-05. Review status: criteria provided, single submitter. Criteria: Invitae Variant Classification Sherloc (09022015). Collection method: clinical testing. Allele origin: germline.
Comment: In summary, the available evidence is currently insufficient to determine the role of this variant in disease. Therefore, it has been classified as a Variant of Uncertain Significance. Algorithms developed to predict the effect of missense changes on protein structure and function (SIFT, PolyPhen-2, Align-GVGD) all suggest that this variant is likely to be tolerated. ClinVar contains an entry for this variant (Variation ID: 181949). This variant has not been reported in the literature in individuals affected with ATM-related conditions. This variant is not present in population databases (gnomAD no frequency). This sequence change replaces asparagine, which is neutral and polar, with isoleucine, which is neutral and non-polar, at codon 1243 of the ATM protein (p.Asn1243Ile).

GeneDx
Classification: Uncertain significance. Last evaluated: 2014-07-03. Review status: criteria provided, single submitter. Criteria: GeneDx Variant Classification (06012015). Collection method: clinical testing. Allele origin: germline. Affected: yes.
Comment: This variant is denoted ATM c.3728A>T at the cDNA level, p.Asn1243Ile (N1243I) at the protein level, and results in the change of an Asparagine to an Isoleucine (AAT>ATT). This variant has not, to our knowledge, been published in the literature as pathogenic or benign. ATM Asn1243Ile was not observed in approximately 6,500 individuals of European and African American ancestry in the NHLBI Exome Sequencing Project, indicating it is not a common benign variant in these populations. Since Asparagine and Isoleucine differ in polarity, charge, size or other properties, this is considered a non-conservative amino acid substitution. ATM Asn1243Ile occurs at a position that is moderately conserved through mammals and is not located in a known functional domain. In silico analyses are inconsistent regarding the effect this variant may have on protein structure and function. Based on currently available information, it is unclear whether ATM Asn1243Ile is pathogenic or benign. We consider it to be a variant of uncertain significance.

NM_000051.4(ATM):c.3728A>T (p.Asn1243Ile)

Gene: ATM (ATM serine/threonine kinase; plus strand). Cytogenetic location: 11q22.3.
Variant type: single nucleotide variant.
Coding change: c.3728A>T on transcript NM_000051.4 (MANE Select); coding-DNA position 3728, A replaced by T.
Protein change: p.Asn1243Ile; replaces asparagine 1243 with isoleucine.
Molecular consequence: missense variant.
Genome position (GRCh38, 1-based): chr11:108,282,861, A>T. VCF-style: chr11-108282861-A-T. GRCh37 (hg19) VCF-style: chr11-108153588-A-T.
Other names: p.N1243I:AAT>ATT; c.3728A>T, p.Asn1243Ile (NM_001351834.2); short protein forms N1243I.
Identifiers: ClinVar variation 181949 (VCV000181949.6), dbSNP rs730881363, ClinGen allele CA298225.